The following is an entry in ClinVar:

ClinVar aggregate classification (germline): Likely pathogenic (1 of 4 stars; one submission).

Conditions:
Combined oxidative phosphorylation defect type 14. Also called: Combined oxidative phosphorylation deficiency 14. Identifiers: Orphanet 319519, MedGen C4755312, MONDO:0013986, OMIM 614946.

Allele frequency attached by ClinVar (database versions not stated): gnomAD 0.00001; ESP Exome Variant Server 0.00008; gnomAD exomes 0.00001; TOPMed 0.00001.
gnomAD v4.1: 9 of 1,614,008 alleles (0.00056%); highest among the groups gnomAD compares: Admixed American, 0.0017%; no homozygotes.

Submission:

Labcorp Genetics (formerly Invitae), Labcorp
Classification: Likely pathogenic for Combined oxidative phosphorylation defect type 14. Last evaluated: 2024-05-16. Review status: criteria provided, single submitter. Criteria: Invitae Variant Classification Sherloc (09022015). Collection method: clinical testing. Allele origin: germline.
Comment: This sequence change replaces arginine, which is basic and polar, with histidine, which is basic and polar, at codon 415 of the FARS2 protein (p.Arg415His). This variant is present in population databases (rs144758353, gnomAD 0.003%). This missense change has been observed in individual(s) with hereditary spastic paraplegia (Invitae). In at least one individual the data is consistent with being in trans (on the opposite chromosome) from a pathogenic variant. It has also been observed to segregate with disease in related individuals. ClinVar contains an entry for this variant (Variation ID: 2068331). Advanced modeling of protein sequence and biophysical properties (such as structural, functional, and spatial information, amino acid conservation, physicochemical variation, residue mobility, and thermodynamic stability) has been performed at Invitae for this missense variant, however the output from this modeling did not meet the statistical confidence thresholds required to predict the impact of this variant on FARS2 protein function. In summary, the currently available evidence indicates that the variant is pathogenic, but additional data are needed to prove that conclusively. Therefore, this variant has been classified as Likely Pathogenic.

NM_006567.5(FARS2):c.1244G>A (p.Arg415His)

Gene: FARS2 (phenylalanyl-tRNA synthetase 2, mitochondrial; plus strand). Cytogenetic location: 6p25.1.
Variant type: single nucleotide variant.
Coding change: c.1244G>A on transcript NM_006567.5 (MANE Select); coding-DNA position 1244, G replaced by A.
Protein change: p.Arg415His; replaces arginine 415 with histidine.
Molecular consequence: missense variant.
Genome position (GRCh38, 1-based): chr6:5,771,317, G>A. VCF-style: chr6-5771317-G-A. GRCh37 (hg19) VCF-style: chr6-5771550-G-A.
Other names: c.1244G>A, p.Arg415His (NM_001318872.2, NM_001374875.1, NM_001374876.1 and 4 more transcripts); c.1112G>A, p.Arg371His (NM_001375258.1); c.548G>A, p.Arg183His (NM_001375259.1, NM_001375260.1); short protein forms R183H, R371H, R415H.
Identifiers: ClinVar variation 2068331 (VCV002068331.4), dbSNP rs144758353, ClinGen allele CA134356520.
Genomic context (GRCh38, chr6:5,771,317, plus strand): 5'-CCCGCACTCACCTGTGTTCTCTTCCTCTCTGTAGGACGCACAAGACCAGCCACTGCTACC[G>A]CATCACGTACCGCCACATGGAACGGACTCTGTCCCAGAGAGAGGTCAGGCACATCCACCA-3'
Protein context (NP_006558.1, residues 405-425): PKTHKTSHCY[Arg415His]ITYRHMERTL